The following is an entry in ClinVar:

NM_000379.4(XDH):c.460A>G (p.Arg154Gly)

Gene: XDH (xanthine dehydrogenase; minus strand). Cytogenetic location: 2p23.1.
Variant type: single nucleotide variant.
Coding change: c.460A>G on transcript NM_000379.4 (MANE Select); coding-DNA position 460, A replaced by G.
Protein change: p.Arg154Gly; replaces arginine 154 with glycine.
Molecular consequence: missense variant.
Genome position (GRCh38, 1-based): chr2:31,397,703, T>C on the plus strand (A>G on the coding strand, the complement: XDH is on the minus strand). VCF-style: chr2-31397703-T-C. GRCh37 (hg19) VCF-style: chr2-31620569-T-C.
Other names: short protein forms R154G.
Identifiers: ClinVar variation 962759 (VCV000962759.9), dbSNP rs1428180502, ClinGen allele CA346500662.

ClinVar aggregate classification (germline): Uncertain significance (1 of 4 stars; one submission).

Conditions:
Xanthinuria type II. Also called: Xanthine dehydrogenase and aldehyde oxidase combined deficiency of; XDH and AOX dual deficiency. Identifiers: Orphanet 3467, Orphanet 93602, MedGen C1863688, MONDO:0011346, OMIM 603592.

gnomAD v4.1: 2 of 1,614,242 alleles (0.00012%); highest among the groups gnomAD compares: Non-Finnish European, 0.00017%; no homozygotes.

Submission:

Labcorp Genetics (formerly Invitae), Labcorp
Classification: Uncertain significance for Xanthinuria type II. Last evaluated: 2019-07-25. Review status: criteria provided, single submitter. Criteria: Invitae Variant Classification Sherloc (09022015). Collection method: clinical testing. Allele origin: germline.
Comment: In summary, the available evidence is currently insufficient to determine the role of this variant in disease. Therefore, it has been classified as a Variant of Uncertain Significance. Algorithms developed to predict the effect of missense changes on protein structure and function (SIFT, PolyPhen-2, Align-GVGD) all suggest that this variant is likely to be disruptive, but these predictions have not been confirmed by published functional studies and their clinical significance is uncertain. This variant has not been reported in the literature in individuals with XDH-related conditions. This variant is not present in population databases (ExAC no frequency). This sequence change replaces arginine with glycine at codon 154 of the XDH protein (p.Arg154Gly). The arginine residue is highly conserved and there is a moderate physicochemical difference between arginine and glycine.